The following is an entry in ClinVar:

ClinVar aggregate classification (germline): Pathogenic. Review status: criteria provided, multiple submitters, no conflicts (2 of 4 stars). 8 submissions from 8 submitters: Pathogenic (7). 1 of the submissions does not count toward it. Last evaluated 2025-12-19.

Conditions:
PKLR-related disorder. Also called: PKLR-related condition.
Pyruvate kinase deficiency of red cells (CNSHA2). Also called: PK DEFICIENCY; PYRUVATE KINASE DEFICIENCY OF ERYTHROCYTE; Pyruvate kinase deficiency, Amish type. Identifiers: Orphanet 766, MedGen C0340968, MONDO:0009950, OMIM 266200.

Allele frequency attached by ClinVar (database versions not stated): ExAC 0.00002; gnomAD 0.00003 and 0.00004; TOPMed 0.00004; gnomAD exomes 0.00005; ESP Exome Variant Server 0.00008.
gnomAD v4.1: 96 of 1,614,012 alleles (0.0059%); highest among the groups gnomAD compares: Admixed American, 0.0083%; no homozygotes.

Submissions (8):

3billion
Classification: Pathogenic for Pyruvate kinase deficiency of red cells. Last evaluated: 2025-12-19. Review status: criteria provided, single submitter. Criteria: ACMG Guidelines, 2015. Collection method: clinical testing. Allele origin: germline. Affected: yes.
Comment: The variant is observed at an extremely low frequency in the gnomAD v4.1.0 dataset (total allele frequency: 0.006%). Predicted Consequence/Location: Missense variant Functional studies provide moderate evidence of the variant having a damaging effect on the gene or gene product (PMID: 15059150). In silico tool predictions suggest damaging effect of the variant on gene or gene product [REVEL: 0.94 (>=0.6, sensitivity 0.68 and specificity 0.92); 3Cnet: 0.91 (> 0.75, sensitivity 0.96 and precision 0.92)]. The same nucleotide change resulting in the same amino acid change has been previously reported as pathogenic/likely pathogenic with strong evidence (ClinVar ID: VCV000001510 /PMID: 8161798). The variant has been reported to be in trans with a pathogenic variant as either compound heterozygous or homozygous in at least one similarly affected unrelated individual (PMID: 15059150). Therefore, this variant is classified as Pathogenic according to the recommendation of ACMG/AMP guideline.

Labcorp Genetics (formerly Invitae), Labcorp
Classification: Pathogenic. Last evaluated: 2025-10-07. Review status: criteria provided, single submitter. Criteria: Invitae Variant Classification Sherloc (09022015). Collection method: clinical testing. Allele origin: germline.
Comment: This sequence change replaces arginine, which is basic and polar, with histidine, which is basic and polar, at codon 479 of the PKLR protein (p.Arg479His). This variant also falls at the last nucleotide of exon 9, which is part of the consensus splice site for this exon. This variant is present in population databases (rs118204085, gnomAD 0.01%). This missense change has been observed in individual(s) with pyruvate kinase deficiency (PMID: 8161798, 15059150). In at least one individual the data is consistent with being in trans (on the opposite chromosome) from a pathogenic variant. ClinVar contains an entry for this variant (Variation ID: 1510). An algorithm developed to predict the effect of missense changes on protein structure and function (PolyPhen-2) suggests that this variant is likely to be disruptive. Experimental studies have shown that this missense change does not substantially affect PKLR function (PMID: 11960989). Variants that disrupt the consensus splice site are a relatively common cause of aberrant splicing (PMID: 17576681, 9536098). Studies have shown that this missense change alters mRNA splicing and is expected to lead to the loss of protein expression (PMID: 15059150). For these reasons, this variant has been classified as Pathogenic.

Revvity Omics, Revvity
Classification: Pathogenic. Last evaluated: 2025-06-17. Review status: criteria provided, single submitter. Criteria: ACMG Guidelines, 2015. Collection method: clinical testing. Allele origin: germline.

GeneDx
Classification: Pathogenic. Last evaluated: 2025-02-19. Review status: criteria provided, single submitter. Criteria: GeneDx Variant Classification Process June 2021. Collection method: clinical testing. Allele origin: germline.
Comment: Published functional studies demonstrate a damaging effect: damage of natural splice donor site resulting in exon skipping and alteration of kinetic property (PMID: 11960989, 15059150); In silico analysis supports a deleterious effect on splicing; This variant is associated with the following publications: (PMID: 8161798, 16704447, 18759866, 15059150, 31028937, 32036089, 34125488, 34987744, 11960989)

Blueprint Genetics
Classification: Pathogenic for PKLR-related disorders. Last evaluated: 2024-05-17. Review status: criteria provided, single submitter. Criteria: ACMG Guidelines, 2015. Collection method: clinical testing. Allele origin: germline. Affected: yes. Observed: 4 variant alleles.

ARUP Laboratories, Molecular Genetics and Genomics, ARUP Laboratories
Classification: Pathogenic. Last evaluated: 2020-01-09. Review status: criteria provided, single submitter. Criteria: ARUP Molecular Germline Variant Investigation Process. Collection method: clinical testing. Allele origin: germline.

Neuberg Centre For Genomic Medicine, NCGM
Classification: Pathogenic for Pyruvate kinase deficiency of red cells. Review status: criteria provided, single submitter. Criteria: ACMG Guidelines, 2015. Collection method: clinical testing. Allele origin: germline. Affected: yes.
Comment: The missense variant p.R479H in PKLR (NM_000298.6) has been reported in homozygous state in affected patients including those of the Amish ancestry (Kedar P et al; Bowman HS et al). The variant has been submitted to ClinVar as Pathogenic. In silico tools predict the variant to be damaging and the residue is conserved across species.For these reasons, this variant has been classified as Pathogenic.

OMIM
Classification: Pathogenic for ANEMIA, CONGENITAL, NONSPHEROCYTIC HEMOLYTIC, 2. Last evaluated: 2009-02-01. Review status: no assertion criteria provided. Collection method: literature only. Allele origin: germline. Not counted in ClinVar's aggregate classification.

Literature cited by the submitters: PubMed 15059150 (cited by 3billion and Labcorp Genetics (formerly Invitae), Labcorp); PubMed 8161798 (cited by 3 submitters); PubMed 11960989 (cited by Labcorp Genetics (formerly Invitae), Labcorp and OMIM); PubMed 17576681 (cited by Labcorp Genetics (formerly Invitae), Labcorp); PubMed 9536098 (cited by Labcorp Genetics (formerly Invitae), Labcorp); PubMed 14014643 (cited by OMIM); PubMed 14255553 (cited by OMIM); PubMed 18759866 (cited by OMIM).

NM_000298.6(PKLR):c.1436G>A (p.Arg479His)

Gene: PKLR (pyruvate kinase L/R; minus strand). Cytogenetic location: 1q22.
Variant type: single nucleotide variant.
Coding change: c.1436G>A on transcript NM_000298.6 (MANE Select); coding-DNA position 1436, G replaced by A.
Protein change: p.Arg479His; replaces arginine 479 with histidine.
Molecular consequence: missense variant.
Genome position (GRCh38, 1-based): chr1:155,293,177, C>T on the plus strand (G>A on the coding strand, the complement: PKLR is on the minus strand). VCF-style: chr1-155293177-C-T. GRCh37 (hg19) VCF-style: chr1-155262968-C-T.
Other names: c.1436G>A, p.Arg479His (LRG_1136t1); c.1436G>A (NM_000298.5); c.1343G>A, p.Arg448His (NM_181871.4); c.[1436G>A] (NM_000298.5); short protein forms R479H, R448H.
Identifiers: ClinVar variation 1510 (VCV000001510.25), dbSNP rs118204085, ClinGen allele CA215078.
Genomic context (GRCh38, chr1:155,293,177, plus strand): 5'-CCCGTCCCAGCCCACCCCTGACCCAAAGCTCCATCTGGACATTCCCAATATCCCCCTCAC[C>T]GGCCAGTTGTGGTCAGCACAATGATGGCAGCAGCACAGCACTTGAAGGCAGCCTCCACAG-3'
Protein context (NP_000289.1, residues 469-489): AAIIVLTTTG[Arg479His]SAQLLSRYRP